The following is an entry in ClinVar:

ClinVar aggregate classification (germline): Benign. Review status: criteria provided, multiple submitters, no conflicts (2 of 4 stars). 5 submissions from 5 submitters: Benign (5). Last evaluated 2026-01-11.

Conditions:
Multiple cutaneous and mucosal venous malformations (VMCM). Also called: TEK-Related Multiple Cutaneous and Mucosal Venous Malformations (VMCM). Identifiers: Orphanet 2451, MedGen C1838437, MONDO:0010842, OMIM 600195.

Allele frequency attached by ClinVar (database versions not stated): 1000 Genomes Project 30x 0.00828; gnomAD 0.00772 and 0.00723; ExAC 0.00238; TOPMed 0.00813; ESP Exome Variant Server 0.00823; gnomAD exomes 0.00065 and 0.00182; 1000 Genomes Project 0.00739.
gnomAD v4.1: 2,076 of 1,614,062 alleles (0.13%); highest among the groups gnomAD compares: African/African-American, 2.5%; 25 homozygotes.

Submissions (5):

Labcorp Genetics (formerly Invitae), Labcorp
Classification: Benign. Last evaluated: 2026-01-11. Review status: criteria provided, single submitter. Criteria: Invitae Variant Classification Sherloc (09022015). Collection method: clinical testing. Allele origin: germline.

Mayo Clinic Laboratories, Mayo Clinic
Classification: Benign. Last evaluated: 2023-04-27. Review status: criteria provided, single submitter. Criteria: ACMG Guidelines, 2015. Collection method: clinical testing. Allele origin: germline. Observed: 9 variant alleles.
Comment: BS1, BS2, BP4, BP7

ARUP Laboratories, Molecular Genetics and Genomics, ARUP Laboratories
Classification: Benign. Last evaluated: 2021-08-17. Review status: criteria provided, single submitter. Criteria: ARUP Molecular Germline Variant Investigation Process 2021. Collection method: clinical testing. Allele origin: germline.

Illumina Laboratory Services, Illumina
Classification: Benign for Multiple cutaneous and mucosal venous malformations. Last evaluated: 2018-01-13. Review status: criteria provided, single submitter. Criteria: ICSL Variant Classification Criteria 13 December 2019. Collection method: clinical testing. Allele origin: germline.
Comment: This variant was observed in the ICSL laboratory as part of a predisposition screen in an ostensibly healthy population. It had not been previously curated by ICSL or reported in the Human Gene Mutation Database (HGMD: prior to June 1st, 2018), and was therefore a candidate for classification through an automated scoring system. Utilizing variant allele frequency, disease prevalence and penetrance estimates, and inheritance mode, an automated score was calculated to assess if this variant is too frequent to cause the disease. Based on the score and internal cut-off values, a variant classified as benign is not then subjected to further curation. The score for this variant resulted in a classification of benign for this disease.

Breakthrough Genomics
Classification: Benign. Review status: criteria provided, single submitter. Criteria: ACMG Guidelines, 2015. Collection method: not provided. Allele origin: germline. Inheritance: Autosomal dominant inheritance. Affected: yes.

NM_000459.5(TEK):c.138C>T (p.Ala46=)

Gene: TEK (TEK receptor tyrosine kinase; plus strand). Cytogenetic location: 9p21.2.
Variant type: single nucleotide variant.
Coding change: c.138C>T on transcript NM_000459.5 (MANE Select); coding-DNA position 138, C replaced by T.
Protein change: p.Ala46=; no amino-acid change (alanine 46 retained).
Molecular consequence: synonymous variant. On other transcripts: intron variant (1).
Genome position (GRCh38, 1-based): chr9:27,157,916, C>T. VCF-style: chr9-27157916-C-T. GRCh37 (hg19) VCF-style: chr9-27157914-C-T.
Other names: p.Ala46=; c.138C>T, p.Ala46= (NM_001375476.1, NM_001290077.2, NM_001375475.1); c.53-10579C>T (NM_001290078.2).
Identifiers: ClinVar variation 366391 (VCV000366391.18), dbSNP rs76223779, ClinGen allele CA5015841.